The following is an entry in ClinVar:

ClinVar aggregate classification (germline): Uncertain significance (1 of 4 stars; one submission).

Submission:

Women's Health and Genetics/Laboratory Corporation of America, LabCorp
Classification: Uncertain significance. Last evaluated: 2025-09-22. Review status: criteria provided, single submitter. Criteria: LabCorp Variant Classification Summary - May 2015. Collection method: clinical testing. Allele origin: germline.
Comment: Variant summary: PKD1 c.8543T>A (p.Val2848Glu) results in a non-conservative amino acid change in the encoded protein sequence. Algorithms developed to predict the effect of missense changes on protein structure and function are either unavailable or do not agree on the potential impact of this missense change. The variant was absent in 241230 control chromosomes. The available data on variant occurrences in the general population are insufficient to allow any conclusion about variant significance. To our knowledge, no occurrence of c.8543T>A in individuals affected with PKD1-related conditions and no experimental evidence demonstrating its impact on protein function have been reported. No submitters have cited clinical-significance assessments for this variant to ClinVar. Based on the evidence outlined above, the variant was classified as uncertain significance.

NM_001009944.3(PKD1):c.8543T>A (p.Val2848Glu)

Gene: PKD1 (polycystin 1, transient receptor potential channel interacting; minus strand). Cytogenetic location: 16p13.3.
Variant type: single nucleotide variant.
Coding change: c.8543T>A on transcript NM_001009944.3 (MANE Select); coding-DNA position 8543, T replaced by A.
Protein change: p.Val2848Glu; replaces valine 2848 with glutamic acid.
Molecular consequence: missense variant.
Genome position (GRCh38, 1-based): chr16:2,103,514, A>T on the plus strand (T>A on the coding strand, the complement: PKD1 is on the minus strand). VCF-style: chr16-2103514-A-T. GRCh37 (hg19) VCF-style: chr16-2153515-A-T.
Other names: c.8543T>A, p.Val2848Glu (NM_000296.4); short protein forms V2848E.
Identifiers: ClinVar variation 4536090 (VCV004536090.1).